The following is an entry in ClinVar:

NM_001267550.2(TTN):c.102280T>C (p.Tyr34094His)

Genes: TTN (titin; minus strand), TTN-AS1 (TTN antisense RNA 1; plus strand). Cytogenetic location: 2q31.2.
Variant type: single nucleotide variant.
Coding change: c.102280T>C on transcript NM_001267550.2 (MANE Select); coding-DNA position 102280, T replaced by C.
Protein change: p.Tyr34094His; replaces tyrosine 34094 with histidine.
Molecular consequence: missense variant.
Genome position (GRCh38, 1-based): chr2:178,534,335, A>G on the plus strand (T>C on the coding strand, the complement: TTN is on the minus strand). VCF-style: chr2-178534335-A-G. GRCh37 (hg19) VCF-style: chr2-179399062-A-G.
Other names: c.97357T>C, p.Tyr32453His (NM_001256850.1); c.75085T>C, p.Tyr25029His (NM_003319.4); c.94576T>C, p.Tyr31526His (NM_133378.4); c.75460T>C, p.Tyr25154His (NM_133432.3); c.75661T>C, p.Tyr25221His (NM_133437.4); short protein forms Y31526H, Y34094H, Y25154H, Y25029H, Y25221H, Y32453H.
Identifiers: ClinVar variation 2939452 (VCV002939452.1), dbSNP rs2468530910, ClinGen allele CA349417971.

ClinVar aggregate classification (germline): Uncertain significance (1 of 4 stars; one submission).

Conditions:
Dilated cardiomyopathy 1G (CMD1G). Identifiers: Orphanet 154, MedGen C1858763, MONDO:0011400, OMIM 604145.
Autosomal recessive limb-girdle muscular dystrophy type 2J (LGMDR10). Also called: Limb-girdle muscular dystrophy, type 2J; MUSCULAR DYSTROPHY, LIMB-GIRDLE, AUTOSOMAL RECESSIVE 10. Identifiers: Orphanet 140922, MedGen C1837342, MONDO:0012127, OMIM 608807.

Allele frequency attached by ClinVar (database versions not stated): gnomAD exomes below 0.00001.
gnomAD v4.1: 1 of 1,613,074 alleles (0.000062%); highest among the groups gnomAD compares: South Asian, 0.0011%; no homozygotes.

Submission:

Labcorp Genetics (formerly Invitae), Labcorp
Classification: Uncertain significance for Dilated cardiomyopathy 1G; Autosomal recessive limb-girdle muscular dystrophy type 2J. Last evaluated: 2023-11-29. Review status: criteria provided, single submitter. Criteria: Invitae Variant Classification Sherloc (09022015). Collection method: clinical testing. Allele origin: germline.
Comment: This sequence change replaces tyrosine, which is neutral and polar, with histidine, which is basic and polar, at codon 34094 of the TTN protein (p.Tyr34094His). This variant is not present in population databases (gnomAD no frequency). This variant has not been reported in the literature in individuals affected with TTN-related conditions. Experimental studies and prediction algorithms are not available or were not evaluated, and the functional significance of this variant is currently unknown. This variant is located in the M band of TTN (PMID: 25589632). Non-truncating variants in this region may be relevant for neuromuscular disorders, but have not been definitively shown to cause cardiomyopathy (PMID: 23975875). In summary, the available evidence is currently insufficient to determine the role of this variant in disease. Therefore, it has been classified as a Variant of Uncertain Significance.

Literature cited by the submitters: PubMed 25589632; PubMed 23975875.